The following is an entry in ClinVar:

NM_000492.4(CFTR):c.1765A>C (p.Ser589Arg)

Gene: CFTR (CF transmembrane conductance regulator; plus strand). Cytogenetic location: 7q31.2.
Variant type: single nucleotide variant.
Coding change: c.1765A>C on transcript NM_000492.4 (MANE Select); coding-DNA position 1765, A replaced by C.
Protein change: p.Ser589Arg; replaces serine 589 with arginine.
Molecular consequence: missense variant.
Genome position (GRCh38, 1-based): chr7:117,590,438, A>C. VCF-style: chr7-117590438-A-C. GRCh37 (hg19) VCF-style: chr7-117230492-A-C.
Other names: short protein forms S589R.
Identifiers: ClinVar variation 947433 (VCV000947433.5), dbSNP rs917625450, ClinGen allele CA164946469.

ClinVar aggregate classification (germline): Uncertain significance. Review status: criteria provided, multiple submitters, no conflicts (2 of 4 stars). 3 submissions from 3 submitters: Uncertain significance (2). 1 of the submissions does not count toward it. Last evaluated 2024-06-06.

Conditions:
Cystic fibrosis (CF). Also called: MUCOVISCIDOSIS. Identifiers: Orphanet 586, MedGen C0010674, MONDO:0009061, OMIM 219700. Disease mechanism: loss of function.
CFTR-related disorder (CFTR-RD). Also called: CFTR-related disorders; CFTR-related condition. Identifiers: MedGen C5924204, MONDO:7770004.

Submissions (3):

Ambry Genetics
Classification: Uncertain significance for Cystic fibrosis. Last evaluated: 2024-06-06. Review status: criteria provided, single submitter. Criteria: Ambry Variant Classification Scheme 2023. Collection method: clinical testing. Allele origin: germline.
Comment: The p.S589R variant (also known as c.1765A>C), located in coding exon 13 of the CFTR gene, results from an A to C substitution at nucleotide position 1765. The serine at codon 589 is replaced by arginine, an amino acid with dissimilar properties. This amino acid position is well conserved in available vertebrate species. In addition, this alteration is predicted to be deleterious by in silico analysis. Based on the available evidence, the clinical significance of this variant remains unclear.

Labcorp Genetics (formerly Invitae), Labcorp
Classification: Uncertain significance for Cystic fibrosis. Last evaluated: 2021-09-01. Review status: criteria provided, single submitter. Criteria: Invitae Variant Classification Sherloc (09022015). Collection method: clinical testing. Allele origin: germline.
Comment: This sequence change replaces serine with arginine at codon 589 of the CFTR protein (p.Ser589Arg). The serine residue is moderately conserved and there is a moderate physicochemical difference between serine and arginine. This variant is not present in population databases (ExAC no frequency). This variant has not been reported in the literature in individuals affected with CFTR-related conditions. Algorithms developed to predict the effect of missense changes on protein structure and function (SIFT, PolyPhen-2, Align-GVGD) all suggest that this variant is likely to be tolerated. In summary, the available evidence is currently insufficient to determine the role of this variant in disease. Therefore, it has been classified as a Variant of Uncertain Significance.

Natera, Inc.
Classification: Uncertain significance for CFTR-related disorders. Last evaluated: 2020-05-28. Review status: no assertion criteria provided. Collection method: clinical testing. Allele origin: germline. Not counted in ClinVar's aggregate classification.